The following is an entry in ClinVar:

ClinVar aggregate classification (germline): Uncertain significance (1 of 4 stars; one submission).

Submission:

Women's Health and Genetics/Laboratory Corporation of America, LabCorp
Classification: Uncertain significance. Last evaluated: 2018-07-19. Review status: criteria provided, single submitter. Criteria: LabCorp Variant Classification Summary - May 2015. Collection method: clinical testing. Allele origin: germline.
Comment: Variant summary: CASQ2 c.1085T>C (p.Ile362Thr) results in a non-conservative amino acid change in the encoded protein sequence. Three of five in-silico tools predict a damaging effect of the variant on protein function. The variant was absent in 245832 control chromosomes (gnomAD). The available data on variant occurrences in the general population are insufficient to allow any conclusion about variant significance. To our knowledge, no occurrence of c.1085T>C in individuals affected with Arrhythmia and no experimental evidence demonstrating its impact on protein function have been reported. No clinical diagnostic laboratories have submitted clinical-significance assessments for this variant to ClinVar after 2014. Based on the evidence outlined above, the variant was classified as uncertain significance.

NM_001232.4(CASQ2):c.1085T>C (p.Ile362Thr)

Gene: CASQ2 (calsequestrin 2; minus strand). Cytogenetic location: 1p13.1.
Variant type: single nucleotide variant.
Coding change: c.1085T>C on transcript NM_001232.4 (MANE Select); coding-DNA position 1085, T replaced by C.
Protein change: p.Ile362Thr; replaces isoleucine 362 with threonine.
Molecular consequence: missense variant.
Genome position (GRCh38, 1-based): chr1:115,701,356, A>G on the plus strand (T>C on the coding strand, the complement: CASQ2 is on the minus strand). VCF-style: chr1-115701356-A-G. GRCh37 (hg19) VCF-style: chr1-116243977-A-G.
Other names: short protein forms I362T.
Identifiers: ClinVar variation 633143 (VCV000633143.1), dbSNP rs1557783735, ClinGen allele CA341766393.